The following is an entry in ClinVar:

NM_031935.3(HMCN1):c.14725C>T (p.Arg4909Cys)

Gene: HMCN1 (hemicentin 1; plus strand). Cytogenetic location: 1q31.1.
Variant type: single nucleotide variant.
Coding change: c.14725C>T on transcript NM_031935.3 (MANE Select); coding-DNA position 14725, C replaced by T.
Protein change: p.Arg4909Cys; replaces arginine 4909 with cysteine.
Molecular consequence: missense variant.
Genome position (GRCh38, 1-based): chr1:186,151,316, C>T. VCF-style: chr1-186151316-C-T. GRCh37 (hg19) VCF-style: chr1-186120448-C-T.
Other names: short protein forms R4909C.
Identifiers: ClinVar variation 3284460 (VCV003284460.3).
Genomic context (GRCh38, chr1:186,151,316, plus strand): 5'-GGAATTGCTTTCCTTAATGCCACAATAACTGATAGCCCTAACTCTGATACTAGAATAATA[C>T]GTGCCAAAATTACCAATGTACCTCGTAGTCTTGGTAAGTCTTTGCCTCAAGCCTCTTTTT-3'
Protein context (NP_114141.2, residues 4899-4919): DSPNSDTRII[Arg4909Cys]AKITNVPRSL

ClinVar aggregate classification (germline): Uncertain significance. Review status: criteria provided, multiple submitters, no conflicts (2 of 4 stars). 2 submissions from 2 submitters: Uncertain significance (2). Last evaluated 2025-09-25.

gnomAD v4.1: 39 of 1,613,484 alleles (0.0024%); highest among the groups gnomAD compares: Admixed American, 0.02%; no homozygotes.

Submissions (2):

Labcorp Genetics (formerly Invitae), Labcorp
Classification: Uncertain significance. Last evaluated: 2025-09-25. Review status: criteria provided, single submitter. Criteria: Invitae Variant Classification Sherloc (09022015). Collection method: clinical testing. Allele origin: germline.
Comment: This sequence change replaces arginine, which is basic and polar, with cysteine, which is neutral and slightly polar, at codon 4909 of the HMCN1 protein (p.Arg4909Cys). This variant is present in population databases (rs761393256, gnomAD 0.02%). This variant has not been reported in the literature in individuals affected with HMCN1-related conditions. ClinVar contains an entry for this variant (Variation ID: 3284460). An algorithm developed to predict the effect of missense changes on protein structure and function (PolyPhen-2) suggests that this variant is likely to be tolerated. In summary, the available evidence is currently insufficient to determine the role of this variant in disease. Therefore, it has been classified as a Variant of Uncertain Significance.

Ambry Genetics
Classification: Uncertain significance. Last evaluated: 2024-03-20. Review status: criteria provided, single submitter. Criteria: Ambry Variant Classification Scheme 2023. Collection method: clinical testing. Allele origin: germline.